The following is an entry in ClinVar:

NM_000485.3(APRT):c.90G>T (p.Ser30=)

Gene: APRT (adenine phosphoribosyltransferase; minus strand). Cytogenetic location: 16q24.3.
Variant type: single nucleotide variant.
Coding change: c.90G>T on transcript NM_000485.3 (MANE Select); coding-DNA position 90, G replaced by T.
Protein change: p.Ser30=; no amino-acid change (serine 30 retained).
Molecular consequence: synonymous variant.
Genome position (GRCh38, 1-based): chr16:88,811,647, C>A on the plus strand (G>T on the coding strand, the complement: APRT is on the minus strand). VCF-style: chr16-88811647-C-A. GRCh37 (hg19) VCF-style: chr16-88878055-C-A.
Other names: p.Ser30=; c.90G>T, p.Ser30= (NM_001030018.2).
Identifiers: ClinVar variation 321167 (VCV000321167.17), dbSNP rs8191472, ClinGen allele CA8234570.

ClinVar aggregate classification (germline): Benign/Likely benign. Review status: criteria provided, multiple submitters, no conflicts (2 of 4 stars). 3 submissions from 3 submitters: Benign (2); Likely benign (1). Last evaluated 2026-01-18.

Allele frequency attached by ClinVar (database versions not stated): 1000 Genomes Project 30x 0.01359; 1000 Genomes Project 0.01398; gnomAD exomes 0.00264; ExAC 0.00549; gnomAD 0.01050; ESP Exome Variant Server 0.01103; TOPMed 0.01294.
gnomAD v4.1: 3,272 of 1,594,510 alleles (0.21%); highest among the groups gnomAD compares: African/African-American, 3.8%; 45 homozygotes.

Submissions (20):

Labcorp Genetics (formerly Invitae), Labcorp
Classification: Benign. Last evaluated: 2026-01-18. Review status: criteria provided, single submitter. Criteria: Invitae Variant Classification Sherloc (09022015). Collection method: clinical testing. Allele origin: germline.

Mayo Clinic Laboratories, Mayo Clinic
Classification: Benign. Last evaluated: 2025-03-21. Review status: criteria provided, single submitter. Criteria: ACMG Guidelines, 2015. Collection method: clinical testing. Allele origin: germline. Observed: 3 variant alleles.
Comment: BA1, BS2, BP4, BP7

Breakthrough Genomics
Classification: Likely benign. Review status: criteria provided, single submitter. Criteria: ACMG Guidelines, 2015. Collection method: not provided. Allele origin: germline. Inheritance: Autosomal recessive inheritance. Affected: yes.

Dr. Peter K. Rogan Lab, Western University
No classification provided (evidence only). Condition: Clear cell carcinoma of kidney. Review status: no classification provided. Collection method: in vitro. Allele origin: not applicable. Functional consequence: retained intron. Not counted in ClinVar's aggregate classification.

Dr. Peter K. Rogan Lab, Western University
No classification provided (evidence only). Condition: Clear cell carcinoma of kidney. Review status: no classification provided. Collection method: in vitro. Allele origin: not applicable. Functional consequence: retained intron. Not counted in ClinVar's aggregate classification.

Dr. Peter K. Rogan Lab, Western University
No classification provided (evidence only). Condition: Clear cell carcinoma of kidney. Review status: no classification provided. Collection method: in vitro. Allele origin: not applicable. Functional consequence: skipped exon, retained intron. Not counted in ClinVar's aggregate classification.

Dr. Peter K. Rogan Lab, Western University
No classification provided (evidence only). Condition: Clear cell carcinoma of kidney. Review status: no classification provided. Collection method: in vitro. Allele origin: not applicable. Functional consequence: skipped exon, retained intron. Not counted in ClinVar's aggregate classification.

Dr. Peter K. Rogan Lab, Western University
No classification provided (evidence only). Condition: Colon adenocarcinoma. Review status: no classification provided. Collection method: in vitro. Allele origin: not applicable. Functional consequence: skipped exon, retained intron. Not counted in ClinVar's aggregate classification.

Dr. Peter K. Rogan Lab, Western University
No classification provided (evidence only). Condition: Thyroid cancer, nonmedullary, 1. Review status: no classification provided. Collection method: in vitro. Allele origin: not applicable. Functional consequence: retained intron. Not counted in ClinVar's aggregate classification.

Dr. Peter K. Rogan Lab, Western University
No classification provided (evidence only). Condition: Thyroid cancer, nonmedullary, 1. Review status: no classification provided. Collection method: in vitro. Allele origin: not applicable. Functional consequence: retained intron. Not counted in ClinVar's aggregate classification.

Dr. Peter K. Rogan Lab, Western University
No classification provided (evidence only). Condition: Thyroid cancer, nonmedullary, 1. Review status: no classification provided. Collection method: in vitro. Allele origin: not applicable. Functional consequence: retained intron. Not counted in ClinVar's aggregate classification.

Dr. Peter K. Rogan Lab, Western University
No classification provided (evidence only). Condition: Uterine corpus endometrial carcinoma. Review status: no classification provided. Collection method: in vitro. Allele origin: not applicable. Functional consequence: retained intron. Not counted in ClinVar's aggregate classification.

Dr. Peter K. Rogan Lab, Western University
No classification provided (evidence only). Condition: Uterine corpus endometrial carcinoma. Review status: no classification provided. Collection method: in vitro. Allele origin: not applicable. Functional consequence: retained intron. Not counted in ClinVar's aggregate classification.

Dr. Peter K. Rogan Lab, Western University
No classification provided (evidence only). Condition: Uterine corpus endometrial carcinoma. Review status: no classification provided. Collection method: in vitro. Allele origin: not applicable. Functional consequence: retained intron. Not counted in ClinVar's aggregate classification.

Dr. Peter K. Rogan Lab, Western University
No classification provided (evidence only). Condition: Cervical cancer. Review status: no classification provided. Collection method: in vitro. Allele origin: not applicable. Functional consequence: retained intron. Not counted in ClinVar's aggregate classification.

Dr. Peter K. Rogan Lab, Western University
No classification provided (evidence only). Condition: Sarcoma. Review status: no classification provided. Collection method: in vitro. Allele origin: not applicable. Functional consequence: retained intron. Not counted in ClinVar's aggregate classification.

Dr. Peter K. Rogan Lab, Western University
No classification provided (evidence only). Condition: Sarcoma. Review status: no classification provided. Collection method: in vitro. Allele origin: not applicable. Functional consequence: retained intron. Not counted in ClinVar's aggregate classification.

Dr. Peter K. Rogan Lab, Western University
No classification provided (evidence only). Condition: Sarcoma. Review status: no classification provided. Collection method: in vitro. Allele origin: not applicable. Functional consequence: retained intron. Not counted in ClinVar's aggregate classification.

Dr. Peter K. Rogan Lab, Western University
No classification provided (evidence only). Condition: Hepatocellular carcinoma. Review status: no classification provided. Collection method: in vitro. Allele origin: not applicable. Functional consequence: retained intron. Not counted in ClinVar's aggregate classification.

Dr. Peter K. Rogan Lab, Western University
No classification provided (evidence only). Condition: Hepatocellular carcinoma. Review status: no classification provided. Collection method: in vitro. Allele origin: not applicable. Functional consequence: retained intron. Not counted in ClinVar's aggregate classification.